The following is an entry in ClinVar:

ClinVar aggregate classification (germline): Conflicting classifications of pathogenicity. Review status: criteria provided, conflicting classifications (1 of 4 stars). 3 submissions from 3 submitters: Uncertain significance (1); Likely benign (1). 1 of the submissions does not count toward it. Last evaluated 2025-09-25.

Conditions:
Primary ciliary dyskinesia. Also called: Ciliary dyskinesia. Identifiers: Orphanet 244, MedGen C0008780, MONDO:0016575, HP:0012265.
DNAH11-related disorder. Also called: DNAH11-related condition.

gnomAD v4.1: 13 of 1,613,030 alleles (0.00081%); highest among the groups gnomAD compares: Non-Finnish European, 0.001%; no homozygotes.

Submissions (3):

Labcorp Genetics (formerly Invitae), Labcorp
Classification: Likely benign for Primary ciliary dyskinesia. Last evaluated: 2025-09-25. Review status: criteria provided, single submitter. Criteria: Invitae Variant Classification Sherloc (09022015). Collection method: clinical testing. Allele origin: germline.

Ambry Genetics
Classification: Uncertain significance for Primary ciliary dyskinesia. Last evaluated: 2022-08-12. Review status: criteria provided, single submitter. Criteria: Ambry Variant Classification Scheme 2023. Collection method: clinical testing. Allele origin: germline.

PreventionGenetics, part of Exact Sciences
Classification: Uncertain significance for DNAH11-related condition. Last evaluated: 2024-04-05. Review status: no assertion criteria provided. Collection method: clinical testing. Allele origin: germline. Not counted in ClinVar's aggregate classification.
Comment: The DNAH11 c.9790C>G variant is predicted to result in the amino acid substitution p.Pro3264Ala. To our knowledge, this variant has not been reported in the literature. This variant is reported in 0.0016% of alleles in individuals of European (Non-Finnish) descent in gnomAD. At this time, the clinical significance of this variant is uncertain due to the absence of conclusive functional and genetic evidence.

NM_001277115.2(DNAH11):c.9790C>G (p.Pro3264Ala)

Gene: DNAH11 (dynein axonemal heavy chain 11; plus strand). Cytogenetic location: 7p15.3.
Variant type: single nucleotide variant.
Coding change: c.9790C>G on transcript NM_001277115.2 (MANE Select); coding-DNA position 9790, C replaced by G.
Protein change: p.Pro3264Ala; replaces proline 3264 with alanine.
Molecular consequence: missense variant.
Genome position (GRCh38, 1-based): chr7:21,787,449, C>G. VCF-style: chr7-21787449-C-G. GRCh37 (hg19) VCF-style: chr7-21827067-C-G.
Other names: c.9811C>G, p.Pro3271Ala (NM_003777.3); c.9790C>G (NM_001277115.1); short protein forms P3264A, P3271A.
Identifiers: ClinVar variation 2165417 (VCV002165417.6), dbSNP rs571709285, ClinGen allele CA366941370.